The following is an entry in ClinVar:

ClinVar aggregate classification (germline): Benign/Likely benign. Review status: criteria provided, multiple submitters, no conflicts (2 of 4 stars). 9 submissions from 9 submitters: Benign (2); Likely benign (4). 3 of the submissions do not count toward it. Last evaluated 2026-01-26.

Conditions:
Autosomal dominant osteopetrosis 1 (OPTA1). Also called: OSTEOPETROSIS, AUTOSOMAL DOMINANT, TYPE I. Identifiers: Orphanet 2783, MedGen C1843330, MONDO:0011877, OMIM 607634.
Osteoporosis. Identifiers: MedGen C0029456, MONDO:0005298, OMIM 166710, HP:0000939.
Polycystic liver disease 4 with or without kidney cysts. Identifiers: MedGen C4693479, MONDO:0044327, OMIM 617875.
Osteoporosis with pseudoglioma (OPPG). Also called: osteoporosis-pseudoglioma syndrome. Identifiers: Orphanet 2788, MedGen C0432252, MONDO:0009820, OMIM 259770.
Bone mineral density quantitative trait locus 1 (BMND1). Identifiers: MedGen C1866079, OMIM 601884.
Exudative vitreoretinopathy 1 (EVR1). Also called: CRISWICK-SCHEPENS SYNDROME; FEVR, AUTOSOMAL DOMINANT; Familial exudative vitreoretinopathy, autosomal dominant. Identifiers: Orphanet 891, Orphanet 90050, MedGen C1851402, MONDO:0007589, OMIM 133780.
Exudative vitreoretinopathy 4 (EVR4). Identifiers: Orphanet 891, MedGen C1866176, MONDO:0011151, OMIM 601813.
Worth disease. Also called: ENDOSTEAL HYPEROSTOSIS, AUTOSOMAL DOMINANT; OSTEOSCLEROSIS, AUTOSOMAL DOMINANT; Autosomal dominant osteosclerosis, Worth type. Identifiers: Orphanet 2790, MedGen C0432273, MONDO:0007764, OMIM 144750.

Allele frequency attached by ClinVar (database versions not stated): gnomAD exomes 0.00019 and 0.00048; ExAC 0.00058; gnomAD 0.00183 and 0.00194; ESP Exome Variant Server 0.00185; TOPMed 0.00201; 1000 Genomes Project 0.00339; 1000 Genomes Project 30x 0.00359.
gnomAD v4.1: 579 of 1,614,222 alleles (0.036%); highest among the groups gnomAD compares: African/African-American, 0.56%; 2 homozygotes.

Submissions (9):

Labcorp Genetics (formerly Invitae), Labcorp
Classification: Benign. Last evaluated: 2026-01-26. Review status: criteria provided, single submitter. Criteria: Invitae Variant Classification Sherloc (09022015). Collection method: clinical testing. Allele origin: germline.

CeGaT Center for Human Genetics Tuebingen
Classification: Likely benign. Last evaluated: 2024-12-01. Review status: criteria provided, single submitter. Criteria: CeGaT Center For Human Genetics Tuebingen Variant Classification Criteria Version 2. Collection method: clinical testing. Allele origin: germline. Affected: yes. Observed: 1 variant allele.
Comment: LRP5: BP4, BS2

Blueprint Genetics
Classification: Likely benign. Last evaluated: 2024-08-06. Review status: criteria provided, single submitter. Criteria: ACMG Guidelines, 2015. Collection method: clinical testing. Allele origin: germline.

Fulgent Genetics
Classification: Likely benign for Exudative vitreoretinopathy 1; Worth disease; Osteoporosis; Osteoporosis with pseudoglioma; Exudative vitreoretinopathy 4; Bone mineral density quantitative trait locus 1; Autosomal dominant osteopetrosis 1; Polycystic liver disease 4 with or without kidney cysts. Last evaluated: 2021-09-28. Review status: criteria provided, single submitter. Criteria: ACMG Guidelines, 2015. Collection method: clinical testing. Allele origin: unknown.

GeneDx
Classification: Likely benign. Last evaluated: 2021-01-22. Review status: criteria provided, single submitter. Criteria: GeneDx Variant Classification Process June 2021. Collection method: clinical testing. Allele origin: germline. Affected: yes.

Eurofins Ntd Llc (ga)
Classification: Benign. Last evaluated: 2015-06-04. Review status: criteria provided, single submitter. Criteria: EGL Classification Definitions 2015. Collection method: clinical testing. Allele origin: germline. Observed: 1 variant allele, 1 heterozygote.

Genetic Services Laboratory, University of Chicago
Classification: Likely benign. Last evaluated: 2022-08-29. Review status: no assertion criteria provided. Collection method: clinical testing. Allele origin: germline. Affected: no. Not counted in ClinVar's aggregate classification.

Clinical Genetics DNA and cytogenetics Diagnostics Lab, Erasmus MC, Erasmus Medical Center
Classification: Likely benign. Review status: no assertion criteria provided. Collection method: clinical testing. Allele origin: germline. Affected: yes. Study: VKGL Data-share Consensus. Not counted in ClinVar's aggregate classification.

Clinical Genetics, Academic Medical Center
Classification: Benign. Review status: no assertion criteria provided. Collection method: clinical testing. Allele origin: germline. Affected: yes. Study: VKGL Data-share Consensus. Not counted in ClinVar's aggregate classification.

NM_002335.4(LRP5):c.1968C>T (p.His656=)

Gene: LRP5 (LDL receptor related protein 5; plus strand). Cytogenetic location: 11q13.2.
Variant type: single nucleotide variant.
Coding change: c.1968C>T on transcript NM_002335.4 (MANE Select); coding-DNA position 1968, C replaced by T.
Protein change: p.His656=; no amino-acid change (histidine 656 retained).
Molecular consequence: synonymous variant.
Genome position (GRCh38, 1-based): chr11:68,406,690, C>T. VCF-style: chr11-68406690-C-T. GRCh37 (hg19) VCF-style: chr11-68174158-C-T.
Other names: c.225C>T, p.His75= (NM_001291902.2).
Identifiers: ClinVar variation 199077 (VCV000199077.36), dbSNP rs144847027, ClinGen allele CA203741.